The following is an entry in ClinVar:

ClinVar aggregate classification (germline): Uncertain significance (1 of 4 stars; one submission).

gnomAD v4.1: 55 of 1,613,864 alleles (0.0034%); highest among the groups gnomAD compares: East Asian, 0.065%; no homozygotes.

Submission:

Labcorp Genetics (formerly Invitae), Labcorp
Classification: Uncertain significance. Last evaluated: 2024-09-01. Review status: criteria provided, single submitter. Criteria: Invitae Variant Classification Sherloc (09022015). Collection method: clinical testing. Allele origin: germline.
Comment: This sequence change replaces serine, which is neutral and polar, with leucine, which is neutral and non-polar, at codon 509 of the GEN1 protein (p.Ser509Leu). This variant is present in population databases (rs150586336, gnomAD 0.03%). This variant has not been reported in the literature in individuals affected with GEN1-related conditions. ClinVar contains an entry for this variant (Variation ID: 1434782). An algorithm developed to predict the effect of missense changes on protein structure and function outputs the following: PolyPhen-2: "Benign". The leucine amino acid residue is found in multiple mammalian species, which suggests that this missense change does not adversely affect protein function. In summary, the available evidence is currently insufficient to determine the role of this variant in disease. Therefore, it has been classified as a Variant of Uncertain Significance.

NM_001130009.3(GEN1):c.1526C>T (p.Ser509Leu)

Gene: GEN1 (GEN1 structure-specific endonuclease; plus strand). Cytogenetic location: 2p24.2.
Variant type: single nucleotide variant.
Coding change: c.1526C>T on transcript NM_001130009.3 (MANE Select); coding-DNA position 1526, C replaced by T.
Protein change: p.Ser509Leu; replaces serine 509 with leucine.
Molecular consequence: missense variant.
Genome position (GRCh38, 1-based): chr2:17,780,738, C>T. VCF-style: chr2-17780738-C-T. GRCh37 (hg19) VCF-style: chr2-17962005-C-T.
Other names: c.1526C>T, p.Ser509Leu (NM_182625.5); short protein forms S509L.
Identifiers: ClinVar variation 1434782 (VCV001434782.8), dbSNP rs150586336, ClinGen allele CA1540783.